The following is an entry in ClinVar:

ClinVar aggregate classification (germline): Pathogenic (1 of 4 stars; one submission).

Conditions:
Glycogen storage disease IXb (GSD9B). Also called: GLYCOGENOSIS OF LIVER AND MUSCLE, AUTOSOMAL RECESSIVE; GSD IXb; PHOSPHORYLASE KINASE DEFICIENCY OF LIVER AND MUSCLE, AUTOSOMAL RECESSIVE. Identifiers: Orphanet 79240, MedGen C0543514, MONDO:0009868, OMIM 261750.

Submission:

Labcorp Genetics (formerly Invitae), Labcorp
Classification: Pathogenic for Glycogen storage disease IXb. Last evaluated: 2023-10-22. Review status: criteria provided, single submitter. Criteria: Invitae Variant Classification Sherloc (09022015). Collection method: clinical testing. Allele origin: germline.
Comment: This sequence change creates a premature translational stop signal (p.Gly189Aspfs*53) in the PHKB gene. It is expected to result in an absent or disrupted protein product. Loss-of-function variants in PHKB are known to be pathogenic (PMID: 9215682, 9326319). This variant is not present in population databases (gnomAD no frequency). This variant has not been reported in the literature in individuals affected with PHKB-related conditions. For these reasons, this variant has been classified as Pathogenic.

Literature cited by the submitters: PubMed 9215682; PubMed 9326319.

NM_000293.3(PHKB):c.566del (p.Gly189fs)

Gene: PHKB (phosphorylase kinase regulatory subunit beta; plus strand). Cytogenetic location: 16q12.1.
Variant type: Deletion.
Coding change: c.566del on transcript NM_000293.3 (MANE Select); coding-DNA position 566, one base deleted (G; older notation c.566delG).
Protein change: p.Gly189fs; shifts the reading frame from glycine 189.
Molecular consequence: frameshift variant.
Genome position (GRCh38, 1-based): chr16:47,515,573, G deleted; the last of 2 consecutive G bases (chr16:47,515,572-47,515,573); deleting either gives the same sequence. VCF-style (leftmost placement, unchanged base first): chr16-47515571-AG-A. GRCh37 (hg19) VCF-style: chr16-47549482-AG-A.
Other names: c.545del, p.Gly182fs (NM_001031835.3); c.566del, p.Gly189fs (NM_001363837.1); short protein forms G189fs, G182fs.
Identifiers: ClinVar variation 2770440 (VCV002770440.3), dbSNP rs1970581444, ClinGen allele CA2220398823.